The following is an entry in ClinVar:

ClinVar aggregate classification (germline): Likely benign. Review status: criteria provided, single submitter (1 of 4 stars). 2 submissions from 2 submitters: Likely benign (1). 1 of the submissions does not count toward it. Last evaluated 2025-05-08.

Conditions:
PLXNA2-related disorder. Also called: PLXNA2-related condition.

Allele frequency attached by ClinVar (database versions not stated): ExAC 0.00003; gnomAD exomes 0.00004; TOPMed 0.00005; gnomAD 0.00006; ESP Exome Variant Server 0.00015.
gnomAD v4.1: 207 of 1,613,990 alleles (0.013%); highest among the groups gnomAD compares: Non-Finnish European, 0.017%; no homozygotes.

Submissions (2):

Labcorp Genetics (formerly Invitae), Labcorp
Classification: Likely benign. Last evaluated: 2025-05-08. Review status: criteria provided, single submitter. Criteria: Invitae Variant Classification Sherloc (09022015). Collection method: clinical testing. Allele origin: germline.

PreventionGenetics, part of Exact Sciences
Classification: Likely benign for PLXNA2-related condition. Last evaluated: 2022-04-21. Review status: no assertion criteria provided. Collection method: clinical testing. Allele origin: germline. Not counted in ClinVar's aggregate classification.
Comment: This variant is classified as likely benign based on ACMG/AMP sequence variant interpretation guidelines (Richards et al. 2015 PMID: 25741868, with internal and published modifications).

NM_025179.4(PLXNA2):c.3909G>A (p.Leu1303=)

Gene: PLXNA2 (plexin A2; minus strand). Cytogenetic location: 1q32.2.
Variant type: single nucleotide variant.
Coding change: c.3909G>A on transcript NM_025179.4 (MANE Select); coding-DNA position 3909, G replaced by A.
Protein change: p.Leu1303=; no amino-acid change (leucine 1303 retained).
Molecular consequence: synonymous variant.
Genome position (GRCh38, 1-based): chr1:208,043,169, C>T on the plus strand (G>A on the coding strand, the complement: PLXNA2 is on the minus strand). VCF-style: chr1-208043169-C-T. GRCh37 (hg19) VCF-style: chr1-208216514-C-T.
Other names: c.3909G>A (NM_025179.3).
Identifiers: ClinVar variation 1643511 (VCV001643511.10), dbSNP rs375052113, ClinGen allele CA1373033.